The following is an entry in ClinVar:

ClinVar aggregate classification (germline): Benign. Review status: criteria provided, multiple submitters, no conflicts (2 of 4 stars). 3 submissions from 3 submitters: Benign (2). 1 of the submissions does not count toward it. Last evaluated 2018-06-05.

Conditions:
GCC2-related disorder. Also called: GCC2-related condition.

Allele frequency attached by ClinVar (database versions not stated): gnomAD exomes 0.00053 and 0.00154; ExAC 0.00199; 1000 Genomes Project 0.00499; 1000 Genomes Project 30x 0.00562; gnomAD 0.00612 and 0.00660; ESP Exome Variant Server 0.00677; TOPMed 0.00705.

Submissions (3):

Labcorp Genetics (formerly Invitae), Labcorp
Classification: Benign. Last evaluated: 2018-06-05. Review status: criteria provided, single submitter. Criteria: Invitae Variant Classification Sherloc (09022015). Collection method: clinical testing. Allele origin: germline.

Breakthrough Genomics
Classification: Benign. Review status: criteria provided, single submitter. Criteria: ACMG Guidelines, 2015. Collection method: not provided. Allele origin: germline. Inheritance: Unknown mechanism. Affected: yes.

PreventionGenetics, part of Exact Sciences
Classification: Benign for GCC2-related condition. Last evaluated: 2019-06-11. Review status: no assertion criteria provided. Collection method: clinical testing. Allele origin: germline. Not counted in ClinVar's aggregate classification.
Comment: This variant is classified as benign based on ACMG/AMP sequence variant interpretation guidelines (Richards et al. 2015 PMID: 25741868, with internal and published modifications).

NM_181453.4(GCC2):c.780A>G (p.Glu260=)

Gene: GCC2 (GRIP and coiled-coil domain containing 2; plus strand). Cytogenetic location: 2q12.3.
Variant type: single nucleotide variant.
Coding change: c.780A>G on transcript NM_181453.4 (MANE Select); coding-DNA position 780, A replaced by G.
Protein change: p.Glu260=; no amino-acid change (glutamic acid 260 retained).
Molecular consequence: synonymous variant. On other transcripts: non-coding transcript variant (1).
Genome position (GRCh38, 1-based): chr2:108,470,109, A>G. VCF-style: chr2-108470109-A-G. GRCh37 (hg19) VCF-style: chr2-109086565-A-G.
Identifiers: ClinVar variation 775748 (VCV000775748.6), dbSNP rs76646082, ClinGen allele CA1820421.